The following is an entry in ClinVar:

ClinVar aggregate classification (germline): Uncertain significance. Review status: criteria provided, multiple submitters, no conflicts (2 of 4 stars). 2 submissions from 2 submitters: Uncertain significance (2). Last evaluated 2024-10-18.

Conditions:
Atypical glycine encephalopathy. Also called: Glycine encephalopathy with normal serum glycine. Identifiers: Orphanet 289863, MedGen C4310943, MONDO:0015010, OMIM 617301.

Allele frequency attached by ClinVar (database versions not stated): gnomAD exomes below 0.00001; TOPMed below 0.00001.
gnomAD v4.1: 6 of 1,614,062 alleles (0.00037%); highest among the groups gnomAD compares: South Asian, 0.0011%; no homozygotes.

Submissions (2):

GeneDx
Classification: Uncertain significance. Last evaluated: 2024-10-18. Review status: criteria provided, single submitter. Criteria: GeneDx Variant Classification Process June 2021. Collection method: clinical testing. Allele origin: germline. Affected: yes.
Comment: Not observed at significant frequency in large population cohorts (gnomAD); In silico analysis supports that this missense variant has a deleterious effect on protein structure/function; In silico analysis supports a deleterious effect on splicing; Has not been previously published as pathogenic or benign to our knowledge

Labcorp Genetics (formerly Invitae), Labcorp
Classification: Uncertain significance for Atypical glycine encephalopathy. Last evaluated: 2024-02-24. Review status: criteria provided, single submitter. Criteria: Invitae Variant Classification Sherloc (09022015). Collection method: clinical testing. Allele origin: germline.
Comment: This sequence change replaces glycine, which is neutral and non-polar, with arginine, which is basic and polar, at codon 150 of the SLC6A9 protein (p.Gly150Arg). This variant is present in population databases (rs200456440, gnomAD 0.003%). This variant has not been reported in the literature in individuals affected with SLC6A9-related conditions. ClinVar contains an entry for this variant (Variation ID: 1374839). An algorithm developed to predict the effect of missense changes on protein structure and function (PolyPhen-2) suggests that this variant is likely to be disruptive. Algorithms developed to predict the effect of sequence changes on RNA splicing suggest that this variant may disrupt the consensus splice site. In summary, the available evidence is currently insufficient to determine the role of this variant in disease. Therefore, it has been classified as a Variant of Uncertain Significance.

NM_001024845.3(SLC6A9):c.229G>A (p.Gly77Arg)

Gene: SLC6A9 (solute carrier family 6 member 9; minus strand). Cytogenetic location: 1p34.1.
Variant type: single nucleotide variant.
Coding change: c.229G>A on transcript NM_001024845.3 (MANE Select); coding-DNA position 229, G replaced by A.
Protein change: p.Gly77Arg; replaces glycine 77 with arginine.
Molecular consequence: missense variant. On other transcripts: non-coding transcript variant (1), intron variant (3).
Genome position (GRCh38, 1-based): chr1:44,010,055, C>T on the plus strand (G>A on the coding strand, the complement: SLC6A9 is on the minus strand). VCF-style: chr1-44010055-C-T. GRCh37 (hg19) VCF-style: chr1-44475727-C-T.
Other names: c.241G>A, p.Gly81Arg (NM_001261380.2); c.166G>A, p.Gly56Arg (NM_001328627.1); c.229G>A, p.Gly77Arg (NM_001328629.1); c.286G>A, p.Gly96Arg (NM_006934.4); c.448G>A, p.Gly150Arg (NM_201649.4); c.-14-1432G>A (NM_001328630.2, NM_001328626.2); c.125-1432G>A (NM_001328628.1); c.448G>A (NM_201649.3); short protein forms G96R, G56R, G77R, G81R, G150R.
Identifiers: ClinVar variation 1374839 (VCV001374839.9), dbSNP rs200456440, ClinGen allele CA21719888.